The following is an entry in ClinVar:

NM_052947.4(ALPK2):c.4160C>T (p.Ala1387Val)

Genes: ALPK2 (alpha kinase 2; minus strand), LOC126862764 (BRD4-independent group 4 enhancer GRCh37_chr18:56202574-56203773; plus strand). Cytogenetic location: 18q21.31.
Variant type: single nucleotide variant.
Coding change: c.4160C>T on transcript NM_052947.4 (MANE Select); coding-DNA position 4160, C replaced by T.
Protein change: p.Ala1387Val; replaces alanine 1387 with valine.
Molecular consequence: missense variant.
Genome position (GRCh38, 1-based): chr18:58,536,027, G>A on the plus strand (C>T on the coding strand, the complement: ALPK2 is on the minus strand). VCF-style: chr18-58536027-G-A. GRCh37 (hg19) VCF-style: chr18-56203259-G-A.
Other names: short protein forms A1387V.
Identifiers: ClinVar variation 3531685 (VCV003531685.1).
Genomic context (GRCh38, chr18:58,536,027, plus strand): 5'-TCAATGGGATCTACAGAGGACTCTAGGATTTTAGGGCAGGTCAGAAACTTTTTAAAGAAG[G>A]CAGTGTGATCCATCTTGAGTTGTTTTTCCTCCTGGTCTTGACTCACATTGTTAACATTTT-3'
Protein context (NP_443179.3, residues 1377-1397): EEKQLKMDHT[Ala1387Val]FFKKFLTCPK

ClinVar aggregate classification (germline): Uncertain significance (1 of 4 stars; one submission).

Submission:

Ambry Genetics
Classification: Uncertain significance. Last evaluated: 2024-10-11. Review status: criteria provided, single submitter. Criteria: Ambry Variant Classification Scheme 2023. Collection method: clinical testing. Allele origin: germline.
Comment: The p.A1387V variant (also known as c.4160C>T), located in coding exon 4 of the ALPK2 gene, results from a C to T substitution at nucleotide position 4160. The alanine at codon 1387 is replaced by valine, an amino acid with similar properties. This amino acid position is conserved. In addition, this alteration is predicted to be tolerated by in silico analysis. Based on the available evidence, the clinical significance of this variant remains unclear.